The following is an entry in ClinVar:

ClinVar aggregate classification (germline): Likely benign (1 of 4 stars; one submission).

Conditions:
F7-related disorder. Also called: F7-related condition.

gnomAD v4.1: 1 of 1,613,962 alleles (0.000062%); no homozygotes.

Submission:

PreventionGenetics, part of Exact Sciences
Classification: Likely benign for F7-related condition. Last evaluated: 2026-02-20. Review status: criteria provided, single submitter. Criteria: ACMG Guidelines, 2015. Collection method: clinical testing. Allele origin: germline.
Comment: This variant is classified as likely benign based on ACMG/AMP sequence variant interpretation guidelines (Richards et al. 2015 PMID: 25741868, with internal and published modifications).

NM_019616.4(F7):c.616-4C>T

Gene: F7 (coagulation factor VII; plus strand). Cytogenetic location: 13q34.
Variant type: single nucleotide variant.
Coding change: c.616-4C>T on transcript NM_019616.4 (MANE Select); 4 bases into the intron before coding-DNA position 616, C replaced by T.
Molecular consequence: intron variant.
Genome position (GRCh38, 1-based): chr13:113,117,469, C>T. VCF-style: chr13-113117469-C-T. GRCh37 (hg19) VCF-style: chr13-113771783-C-T.
Other names: c.682-4C>T (NM_000131.5); c.430-4C>T (NM_001267554.2).
Identifiers: ClinVar variation 4998924 (VCV004998924.1).